The following is an entry in ClinVar:

ClinVar aggregate classification (germline): Uncertain significance (1 of 4 stars; one submission).

Submission:

Labcorp Genetics (formerly Invitae), Labcorp
Classification: Uncertain significance. Last evaluated: 2024-11-25. Review status: criteria provided, single submitter. Criteria: Invitae Variant Classification Sherloc (09022015). Collection method: clinical testing. Allele origin: germline.
Comment: This sequence change falls in intron 10 of the TAOK2 gene. It does not directly change the encoded amino acid sequence of the TAOK2 protein. It affects a nucleotide within the consensus splice site. This variant is not present in population databases (gnomAD no frequency). This variant has not been reported in the literature in individuals affected with TAOK2-related conditions. Variants that disrupt the consensus splice site are a relatively common cause of aberrant splicing (PMID: 17576681, 9536098). Algorithms developed to predict the effect of sequence changes on RNA splicing suggest that this variant is not likely to affect RNA splicing. In summary, the available evidence is currently insufficient to determine the role of this variant in disease. Therefore, it has been classified as a Variant of Uncertain Significance.

Literature cited by the submitters: PubMed 17576681; PubMed 9536098.

NM_016151.4(TAOK2):c.831+3G>A

Gene: TAOK2 (TAO kinase 2; plus strand). Cytogenetic location: 16p11.2.
Variant type: single nucleotide variant.
Coding change: c.831+3G>A on transcript NM_016151.4 (MANE Select); 3 bases into the intron after coding-DNA position 831, G replaced by A.
Molecular consequence: intron variant.
Genome position (GRCh38, 1-based): chr16:29,981,943, G>A. VCF-style: chr16-29981943-G-A. GRCh37 (hg19) VCF-style: chr16-29993264-G-A.
Other names: c.831+3G>A (NM_004783.4, NM_001252043.2).
Identifiers: ClinVar variation 3722287 (VCV003722287.2).